The following is an entry in ClinVar:

NM_005861.4(STUB1):c.440G>A (p.Trp147Ter)

Gene: STUB1 (STIP1 homology and U-box containing protein 1; plus strand). Cytogenetic location: 16p13.3.
Variant type: single nucleotide variant.
Coding change: c.440G>A on transcript NM_005861.4 (MANE Select); coding-DNA position 440, G replaced by A.
Protein change: p.Trp147Ter; replaces tryptophan 147 with a stop codon.
Molecular consequence: nonsense.
Genome position (GRCh38, 1-based): chr16:681,519, G>A. VCF-style: chr16-681519-G-A. GRCh37 (hg19) VCF-style: chr16-731519-G-A.
Other names: c.224G>A, p.Trp75Ter (NM_001293197.2); short protein forms W147*, W75*.
Identifiers: ClinVar variation 1701267 (VCV001701267.31), dbSNP rs2151504570, ClinGen allele CA394112265.

ClinVar aggregate classification (germline): Pathogenic (1 of 4 stars; one submission).

Submission:

CeGaT Center for Human Genetics Tuebingen
Classification: Pathogenic. Last evaluated: 2026-02-01. Review status: criteria provided, single submitter. Criteria: CeGaT Center For Human Genetics Tuebingen Variant Classification Criteria Version 2. Collection method: clinical testing. Allele origin: germline. Affected: yes. Observed: 2 variant alleles.
Comment: STUB1: PVS1, PM2, PS4:Moderate